The following is an entry in ClinVar:

NM_005902.4(SMAD3):c.154G>T (p.Glu52Ter)

Gene: SMAD3 (SMAD family member 3; plus strand). Cytogenetic location: 15q22.33.
Variant type: single nucleotide variant.
Coding change: c.154G>T on transcript NM_005902.4 (MANE Select); coding-DNA position 154, G replaced by T.
Protein change: p.Glu52Ter; replaces glutamic acid 52 with a stop codon.
Molecular consequence: nonsense.
Genome position (GRCh38, 1-based): chr15:67,066,308, G>T. VCF-style: chr15-67066308-G-T. GRCh37 (hg19) VCF-style: chr15-67358646-G-T.
Other names: p.E52*:GAG>TAG; short protein forms E52*.
Identifiers: ClinVar variation 213797 (VCV000213797.9), dbSNP rs863223762, ClinGen allele CA325173.

ClinVar aggregate classification (germline): Pathogenic. Review status: criteria provided, multiple submitters, no conflicts (2 of 4 stars). 2 submissions from 2 submitters: Pathogenic (2). Last evaluated 2024-11-05.

Conditions:
Familial thoracic aortic aneurysm and aortic dissection (TAAD). Also called: Thoracic aortic aneurysms and dissections. Identifiers: Orphanet 91387, MedGen C4707243, MONDO:0019625.

Submissions (2):

GeneDx
Classification: Pathogenic. Last evaluated: 2024-11-05. Review status: criteria provided, single submitter. Criteria: GeneDx Variant Classification Process June 2021. Collection method: clinical testing. Allele origin: germline. Affected: yes.
Comment: Has not been previously published as pathogenic or benign to our knowledge; Not observed at significant frequency in large population cohorts (gnomAD); Nonsense variant predicted to result in protein truncation or nonsense mediated decay in a gene for which loss of function is a known mechanism of disease

Labcorp Genetics (formerly Invitae), Labcorp
Classification: Pathogenic for Familial thoracic aortic aneurysm and aortic dissection. Last evaluated: 2020-12-15. Review status: criteria provided, single submitter. Criteria: Invitae Variant Classification Sherloc (09022015). Collection method: clinical testing. Allele origin: germline.
Comment: This sequence change creates a premature translational stop signal (p.Glu52*) in the SMAD3 gene. It is expected to result in an absent or disrupted protein product. Loss-of-function variants in SMAD3 are known to be pathogenic (PMID: 21778426, 24804794). For these reasons, this variant has been classified as Pathogenic. This variant has not been reported in the literature in individuals with SMAD3-related conditions. ClinVar contains an entry for this variant (Variation ID: 213797). This variant is not present in population databases (ExAC no frequency).

Literature cited by the submitters: PubMed 21778426 (cited by Labcorp Genetics (formerly Invitae), Labcorp); PubMed 24804794 (cited by Labcorp Genetics (formerly Invitae), Labcorp).